The following is an entry in ClinVar:

ClinVar aggregate classification (germline): Uncertain significance (1 of 4 stars; one submission).

Submission:

Ambry Genetics
Classification: Uncertain significance. Last evaluated: 2024-08-06. Review status: criteria provided, single submitter. Criteria: Ambry Variant Classification Scheme 2023. Collection method: clinical testing. Allele origin: germline.
Comment: The p.P114S variant (also known as c.340C>T), located in coding exon 2 of the MNDA gene, results from a C to T substitution at nucleotide position 340. The proline at codon 114 is replaced by serine, an amino acid with similar properties. This amino acid position is conserved. In addition, this alteration is predicted to be tolerated by in silico analysis. Based on the available evidence, the clinical significance of this variant remains unclear.

NM_002432.3(MNDA):c.340C>T (p.Pro114Ser)

Gene: MNDA (myeloid cell nuclear differentiation antigen; plus strand). Cytogenetic location: 1q23.1.
Variant type: single nucleotide variant.
Coding change: c.340C>T on transcript NM_002432.3 (MANE Select); coding-DNA position 340, C replaced by T.
Protein change: p.Pro114Ser; replaces proline 114 with serine.
Molecular consequence: missense variant.
Genome position (GRCh38, 1-based): chr1:158,843,353, C>T. VCF-style: chr1-158843353-C-T. GRCh37 (hg19) VCF-style: chr1-158813143-C-T.
Other names: short protein forms P114S.
Identifiers: ClinVar variation 3397268 (VCV003397268.1).
Genomic context (GRCh38, chr1:158,843,353, plus strand): 5'-AAAACACAAGAAAAAGCTCCAGTGAAAAAAATAAACCAGGAAGAAGTGGGTCTTGCGGCA[C>T]CTGCACCCACCGCAAGAAACAAACTGACATCGGAAGCAAGAGGGAGGATTCCTGTAGCTC-3'
Protein context (NP_002423.1, residues 104-124): INQEEVGLAA[Pro114Ser]APTARNKLTS